The following is an entry in ClinVar:

NM_177438.3(DICER1):c.3505del (p.Ser1169fs)

Gene: DICER1 (dicer 1, ribonuclease III; minus strand). Cytogenetic location: 14q32.13.
Variant type: Deletion.
Coding change: c.3505del on transcript NM_177438.3 (MANE Select); coding-DNA position 3505, one base deleted (T; older notation c.3505delT).
Protein change: p.Ser1169fs; shifts the reading frame from serine 1169.
Molecular consequence: frameshift variant.
Genome position (GRCh38, 1-based): chr14:95,103,891, A deleted on the plus strand (T on the coding strand, the reverse complement: DICER1 is on the minus strand); the first of 3 consecutive A bases (chr14:95,103,891-95,103,893); deleting any one gives the same sequence. VCF-style (leftmost placement, unchanged base first): chr14-95103890-GA-G. GRCh37 (hg19) VCF-style: chr14-95570227-GA-G.
Other names: c.3505del, p.Ser1169fs (NM_001195573.1, NM_001271282.3, NM_001291628.2 and 1 more transcripts); short protein forms S1169fs.
Identifiers: ClinVar variation 932984 (VCV000932984.3), dbSNP rs1891152911, ClinGen allele CA1139663715.

ClinVar aggregate classification (germline): Pathogenic (1 of 4 stars; one submission).

Conditions:
DICER1-related tumor predisposition. Also called: DICER1-related pleuropulmonary blastoma cancer predisposition syndrome; DICER1 syndrome. Identifiers: Orphanet 284343, MedGen C3839822, MONDO:0100216.

Submission:

Foulkes Cancer Genetics LDI, Lady Davis Institute for Medical Research
Classification: Pathogenic for Pleuropulmonary blastoma. Last evaluated: 2019-07-01. Review status: criteria provided, single submitter. Criteria: ACMG Guidelines, 2015. Collection method: curation. Allele origin: germline. Affected: yes. Observed: 1 variant allele.
Comment: ACMG criteria met: PVS1, PM2, PP4

Literature cited by the submitters: PubMed 21266384.